The following is an entry in ClinVar:

ClinVar aggregate classification (germline): Uncertain significance (1 of 4 stars; one submission).

Conditions:
Vesicoureteral reflux (VUR). Also called: Vesico-Ureteral Reflux; Vesicoureteric reflux. Identifiers: MedGen C0042580, MONDO:0006007, HP:0000076.
Ehlers-Danlos syndrome due to tenascin-X deficiency (EDSCLL1). Also called: TNXB-Related Classical-Like Ehlers-Danlos Syndrome; EHLERS-DANLOS SYNDROME, CLASSIC-LIKE; Ehlers-Danlos syndrome, classic-like, 1; TNX DEFICIENCY; EDS DUE TO TNX DEFICIENCY. Identifiers: Orphanet 230839, MedGen C1848029, MONDO:0011670, OMIM 606408.

Submission:

GeneDx
Classification: Uncertain significance. Last evaluated: 2022-01-20. Review status: criteria provided, single submitter. Criteria: GeneDx Variant Classification Process June 2021. Collection method: clinical testing. Allele origin: germline. Affected: yes.
Comment: Has not been previously published as pathogenic or benign to our knowledge; Not observed in large population cohorts (gnomAD); In silico analysis supports that this missense variant has a deleterious effect on protein structure/function

NM_001365276.2(TNXB):c.496A>C (p.Thr166Pro)

Gene: TNXB (tenascin XB; minus strand). Cytogenetic location: 6p21.33.
Variant type: single nucleotide variant.
Coding change: c.496A>C on transcript NM_001365276.2 (MANE Select); coding-DNA position 496, A replaced by C.
Protein change: p.Thr166Pro; replaces threonine 166 with proline.
Molecular consequence: missense variant.
Genome position (GRCh38, 1-based): chr6:32,097,357, T>G on the plus strand (A>C on the coding strand, the complement: TNXB is on the minus strand). VCF-style: chr6-32097357-T-G. GRCh37 (hg19) VCF-style: chr6-32065134-T-G.
Other names: c.496A>C, p.Thr166Pro (NM_019105.8); short protein forms T166P.
Identifiers: ClinVar variation 1314407 (VCV001314407.6), dbSNP rs2127293388, ClinGen allele CA363488066.